The following is an entry in ClinVar:

ClinVar aggregate classification (germline): Pathogenic/Likely pathogenic. Review status: criteria provided, multiple submitters, no conflicts (2 of 4 stars). 53 submissions from 53 submitters: Pathogenic (32); Likely pathogenic (12). 9 of the submissions do not count toward it. Last evaluated 2026-08-24.

Conditions:
ATM-related cancer predisposition. Also called: ATM-related cancer susceptibility. Identifiers: MedGen CN377759, MONDO:0700270.
ATM-related disorder. Also called: ATM-related disorders; ATM-related condition.
Uterine corpus cancer. Identifiers: MedGen CN277893, MONDO:0006003.
Breast and/or ovarian cancer. Identifiers: MedGen CN221562.
Hereditary cancer-predisposing syndrome. Also called: Neoplastic Syndromes, Hereditary; Hereditary Cancer Syndrome; Tumor predisposition; Hereditary neoplastic syndrome. Identifiers: Orphanet 140162, MedGen C0027672, MeSH D009386, MONDO:0015356.
Familial cancer of breast. Also called: BREAST CANCER, FAMILIAL; hereditary breast carcinoma; Hereditary breast cancer. Identifiers: Orphanet 227535, MedGen C0346153, MONDO:0016419, OMIM 114480. Disease mechanism: loss of function.
Ataxia-telangiectasia syndrome (AT). Also called: Ataxia-telangiectasia, complementation group D; AT, COMPLEMENTATION GROUP C; Ataxia-telangiectasia; ATAXIA-TELANGIECTASIA, COMPLEMENTATION GROUP A; ATAXIA-TELANGIECTASIA, FRESNO VARIANT; Ataxia-telangiectasia, complementation group E. Identifiers: Orphanet 100, MedGen C0004135, MONDO:0008840, OMIM 208900.
Breast carcinoma. Also called: Carcinoma of breast. Identifiers: MedGen C0678222, MONDO:0004989, HP:0003002.
Tip-toe gait. Also called: Toe walking. Identifiers: MedGen C0427144, HP:0030051.

Allele frequency attached by ClinVar (database versions not stated): gnomAD 0.00004 and 0.00005; gnomAD exomes 0.00003; TOPMed 0.00003; ExAC 0.00004.
gnomAD v4.1: 44 of 1,613,980 alleles (0.0027%); highest among the groups gnomAD compares: Non-Finnish European, 0.0036%; no homozygotes.

Submissions 1 to 8 of 53:

PreventionGenetics, part of Exact Sciences
Classification: Pathogenic for ATM-related condition. Last evaluated: 2026-08-24. Review status: criteria provided, single submitter. Criteria: ACMG Guidelines, 2015. Collection method: clinical testing. Allele origin: germline.
Comment: The ATM c.8147T>C variant is predicted to result in the amino acid substitution p.Val2716Ala. This variant has been reported in individuals with ataxia telangiectasia and has been shown to have a reduction or abolished kinase activity (Scott et al. 2002. PubMed ID: 11805335; Demuth et al. 2011. PubMed ID: 21965147). More recently, this variant has been identified in individuals with breast cancer (Table S1, Susswein et al. 2016. PubMed ID: 26681312), colorectal cancer (Table S10, Al Dubayan et al. 2018. PubMed ID: 29478780) and in the tumor of an individual with unspecified cancer type (Whitworth et al. 2018. PubMed ID: 29909963). This variant is reported in 0.0054% of alleles in individuals of European (non-Finnish) descent in gnomAD and is classified in ClinVar as pathogenic or likely pathogenic (Variation ID: 142700). This variant is interpreted as pathogenic.

Labcorp Genetics (formerly Invitae), Labcorp
Classification: Pathogenic for Ataxia-telangiectasia syndrome. Last evaluated: 2026-01-26. Review status: criteria provided, single submitter. Criteria: Invitae Variant Classification Sherloc (09022015). Collection method: clinical testing. Allele origin: germline.
Comment: This sequence change replaces valine, which is neutral and non-polar, with alanine, which is neutral and non-polar, at codon 2716 of the ATM protein (p.Val2716Ala). This variant is present in population databases (rs587782652, gnomAD 0.005%). This missense change has been observed in individual(s) with ataxia-telangiectasia (A-T), generalized dystonia, breast cancer, and dystonia (PMID: 2557216, 16864838, 19535770, 21354641, 21965147, 25957637, 26976419). In at least one individual the data is consistent with being in trans (on the opposite chromosome) from a pathogenic variant. It has also been observed to segregate with disease in related individuals. ClinVar contains an entry for this variant (Variation ID: 142700). Invitae Evidence Modeling of protein sequence and biophysical properties (such as structural, functional, and spatial information, amino acid conservation, physicochemical variation, residue mobility, and thermodynamic stability) has been performed for this missense variant. However, the output from this modeling did not meet the statistical confidence thresholds required to predict the impact of this variant on ATM protein function. Experimental studies have shown that this missense change affects ATM function (PMID: 11805335). For these reasons, this variant has been classified as Pathogenic.

Center for Genomic Medicine, Rigshospitalet, Copenhagen University Hospital
Classification: Pathogenic. Last evaluated: 2025-12-29. Review status: criteria provided, single submitter. Criteria: ACMG Guidelines, 2015. Collection method: clinical testing. Allele origin: germline.
Comment: Classification criteria: PP3, PS3_mod, PM3_strong, PP1_strong

Institute of Human Genetics, Heidelberg University
Classification: Pathogenic for Familial cancer of breast. Last evaluated: 2025-10-29. Review status: criteria provided, single submitter. Criteria: ACMG Guidelines, 2015. Collection method: clinical testing. Allele origin: maternal. Affected: no. Observed: 2 variant alleles.
Comment: PM3_VSTR, PS3_SUP, PP3

Ambry Genetics
Classification: Likely pathogenic for Hereditary cancer-predisposing syndrome. Last evaluated: 2025-09-26. Review status: criteria provided, single submitter. Criteria: Ambry Variant Classification Scheme 2023. Collection method: clinical testing. Allele origin: germline.
Comment: The p.V2716A variant (also known as c.8147T>C), located in coding exon 54 of the ATM gene, results from a T to C substitution at nucleotide position 8147. The valine at codon 2716 is replaced by alanine, an amino acid with similar properties. This alteration has been reported together with second known pathogenic ATM mutations in multiple individuals with milder, "variant ataxia-telangiectasia" (Verhagen MM et al. Neurology. 2009 Aug;73:430-7; Demuth I et al. Neurogenetics. 2011 Nov;12:273-82; M&eacute;neret A, Neurology. 2014 Sep;83:1087-95; Lohmann E et al. J. Neurol. 2015 Jul;262:1724-7; van Os NJH et al. J. Med. Genet., 2019 May;56:308-316; Galatolo D et al. Int J Mol Sci, 2021 Aug;22:). Additionally, this alteration was reported in three unrelated women with ataxia-telangiectasia and breast cancer (Mandigers C et al. Radiother Oncol. 2011 Apr;99:97-8; Reiman A et al. Br. J. Cancer. 2011 Aug;105:586-91). In a multi-gene panel study of patients with bilateral breast cancer, this variant was observed in 1/139 cases (Fanale D et al. Cancers (Basel) 2020 Aug;12(9)). This alteration has been associated with reduced ATM protein expression, decreased ATM kinase activity, and increased radiosensitivity in studies using A-T lymphoblastoid cell lines (Demuth I et al. Neurogenetics. 2011 Nov;12:273-82; Scott SP et al. Proc. Natl. Acad. Sci. U.S.A. 2002 Jan;99:925-30). Another alteration at the same codon, p.V2716F (c.8146G>T), has been detected in an individual with a clinical diagnosis of ataxia telangiectasia (Hersby DS et al. J Pediatr Hematol Oncol. 2015 Mar;37(2):154-5). This amino acid position is highly conserved in available vertebrate species. In addition, this alteration is predicted to be deleterious by in silico analysis. Based on the majority of available evidence to date, this variant is likely to be pathogenic.

CeGaT Center for Human Genetics Tuebingen
Classification: Pathogenic. Last evaluated: 2025-08-01. Review status: criteria provided, single submitter. Criteria: CeGaT Center For Human Genetics Tuebingen Variant Classification Criteria Version 2. Collection method: clinical testing. Allele origin: germline. Affected: yes. Observed: 8 variant alleles.
Comment: ATM: PM3:Very Strong, PP1:Strong, PS3:Moderate, PM2:Supporting, PP3

Natera, Inc.
Classification: Pathogenic for Ataxia-telangiectasia. Last evaluated: 2025-07-07. Review status: criteria provided, single submitter. Criteria: Natera Variant Classification Schema (03/2026). Collection method: clinical testing. Allele origin: germline.
Comment: The c.8147T>C variant in ATM is a missense variant predicted to cause substitution of valine to alanine at amino acid 2716. This variant is rare in the general population with a frequency below the threshold expected for the associated phenotype(s). This variant has been observed in one or more individuals affected with the associated recessive disease, as either homozygous or compound heterozygous with a second variant (PMID: 32558426, 31050087). Computational prediction algorithms indicate this variant is likely to affect gene or protein function. Given the available evidence, this variant is classified as Pathogenic.

Institute of Human Genetics Munich, TUM University Hospital
Classification: Pathogenic for Ataxia-telangiectasia syndrome. Last evaluated: 2025-05-23. Review status: criteria provided, single submitter. Criteria: Classification criteria August 2017. Collection method: clinical testing. Allele origin: maternal, germline. Inheritance: Autosomal recessive inheritance. Affected: yes. Observed: 2 variant alleles.

NM_000051.4(ATM):c.8147T>C (p.Val2716Ala)

Genes: ATM (ATM serine/threonine kinase; plus strand), C11orf65 (chromosome 11 open reading frame 65; minus strand). Cytogenetic location: 11q22.3.
Variant type: single nucleotide variant.
Coding change: c.8147T>C on transcript NM_000051.4 (MANE Select); coding-DNA position 8147, T replaced by C.
Protein change: p.Val2716Ala; replaces valine 2716 with alanine.
Molecular consequence: missense variant. On other transcripts: intron variant (2).
Genome position (GRCh38, 1-based): chr11:108,335,105, T>C. VCF-style: chr11-108335105-T-C. GRCh37 (hg19) VCF-style: chr11-108205832-T-C.
Other names: p.V2716A:GTT>GCT; c.8147T>C, p.Val2716Ala (NM_001351834.2); c.641-26034A>G (NM_001330368.2); c.*38+115A>G (NM_001351110.2); short protein forms V2716A.
Identifiers: ClinVar variation 142700 (VCV000142700.106), dbSNP rs587782652, ClinGen allele CA294465.
Genomic context (GRCh38, chr11:108,335,105, plus strand): 5'-TAAATTTACCAAAAATAATAGATTGTGTAGGTTCCGATGGCAAGGAGAGGAGACAGCTTG[T>C]TAAGGTGAGCCTTCCCTTCTCTGGCTTAGCCCTTAGAGTTTTAGTGATGAAAATTTTTAG-3'
Protein context (NP_000042.3, residues 2706-2726): GSDGKERRQL[Val2716Ala]KGRDDLRQDA